The following is an entry in ClinVar:

ClinVar aggregate classification (germline): Benign (1 of 4 stars; one submission).

Conditions:
Familial cancer of breast. Also called: hereditary breast carcinoma; Hereditary breast cancer; BREAST CANCER, FAMILIAL. Identifiers: Orphanet 227535, MedGen C0346153, MONDO:0016419, OMIM 114480. Disease mechanism: loss of function.

Submission:

Myriad Genetics, Inc.
Classification: Benign for Familial cancer of breast. Last evaluated: 2024-08-29. Review status: criteria provided, single submitter. Criteria: Myriad Autosomal Dominant, Autosomal Recessive and X-Linked Classification Criteria (2023). Collection method: clinical testing. Allele origin: unknown.
Comment: This variant is considered benign. This variant is a silent/synonymous amino acid change and it is not expected to impact splicing.

NM_032043.3(BRIP1):c.1707G>T (p.Gly569=)

Gene: BRIP1 (BRCA1 interacting DNA helicase 1; minus strand). Cytogenetic location: 17q23.2.
Variant type: single nucleotide variant.
Coding change: c.1707G>T on transcript NM_032043.3 (MANE Select); coding-DNA position 1707, G replaced by T.
Protein change: p.Gly569=; no amino-acid change (glycine 569 retained).
Molecular consequence: synonymous variant.
Genome position (GRCh38, 1-based): chr17:61,780,927, C>A on the plus strand (G>T on the coding strand, the complement: BRIP1 is on the minus strand). VCF-style: chr17-61780927-C-A. GRCh37 (hg19) VCF-style: chr17-59858288-C-A.
Identifiers: ClinVar variation 3378682 (VCV003378682.1).